The following is an entry in ClinVar:

ClinVar aggregate classification (germline): Uncertain significance (1 of 4 stars; one submission).

Submission:

GeneDx
Classification: Uncertain significance. Last evaluated: 2019-07-15. Review status: criteria provided, single submitter. Criteria: GeneDx Variant Classification Process June 2021. Collection method: clinical testing. Allele origin: germline. Affected: yes.
Comment: In silico analysis, which includes splice predictors and evolutionary conservation, supports a deleterious effect; In silico analysis, which includes protein predictors and evolutionary conservation, supports a deleterious effect; Not observed in large population cohorts (Lek et al., 2016); Has not been previously published as pathogenic or benign to our knowledge

NM_004463.3(FGD1):c.2015G>C (p.Arg672Thr)

Gene: FGD1 (FYVE, RhoGEF and PH domain containing 1; minus strand). Cytogenetic location: Xp11.22.
Variant type: single nucleotide variant.
Coding change: c.2015G>C on transcript NM_004463.3 (MANE Select); coding-DNA position 2015, G replaced by C.
Protein change: p.Arg672Thr; replaces arginine 672 with threonine.
Molecular consequence: missense variant.
Genome position (GRCh38, 1-based): chrX:54,455,448, C>G on the plus strand (G>C on the coding strand, the complement: FGD1 is on the minus strand). VCF-style: chrX-54455448-C-G. GRCh37 (hg19) VCF-style: chrX-54481881-C-G.
Other names: short protein forms R672T.
Identifiers: ClinVar variation 1306982 (VCV001306982.2), dbSNP rs2147426900, ClinGen allele CA413359713.
Genomic context (GRCh38, chrX:54,455,448, plus strand): 5'-AGCATATCTGAACAAAAGGGAGGTAGGCGCTGGAGGAAAGGCATAGGCAAGGATAAGTAC[C>G]TGGCCTGGAGCTCGAGGGAGCGCTGCTTTCCTGACACCAGGAAGGTTCGAGGCAGATTGA-3'
Protein context (NP_004454.2, residues 662-682): GKQRSLELQA[Arg672Thr]TEEEKKDWVQ